The following is an entry in ClinVar:

NM_007078.3(LDB3):c.843G>A (p.Met281Ile)

Gene: LDB3 (LIM domain binding 3; plus strand). Cytogenetic location: 10q23.2.
Variant type: single nucleotide variant.
Coding change: c.843G>A on transcript NM_007078.3 (MANE Select); coding-DNA position 843, G replaced by A.
Protein change: p.Met281Ile; replaces methionine 281 with isoleucine.
Molecular consequence: missense variant.
Genome position (GRCh38, 1-based): chr10:86,692,049, G>A. VCF-style: chr10-86692049-G-A. GRCh37 (hg19) VCF-style: chr10-88451806-G-A.
Other names: c.702G>A, p.Met234Ile (NM_001080114.2, NM_001080116.1, NM_001368066.1 and 2 more transcripts); c.843G>A, p.Met281Ile (NM_001080115.2, NM_001368063.1, NM_001368064.1 and 1 more transcripts); c.1047G>A, p.Met349Ile (NM_001171610.2, NM_001171611.2); short protein forms M234I, M281I, M349I.
Identifiers: ClinVar variation 3362210 (VCV003362210.1).

ClinVar aggregate classification (germline): Uncertain significance (1 of 4 stars; one submission).

Submission:

GeneDx
Classification: Uncertain significance. Last evaluated: 2023-06-02. Review status: criteria provided, single submitter. Criteria: GeneDx Variant Classification Process June 2021. Collection method: clinical testing. Allele origin: germline. Affected: yes.
Comment: Not observed at significant frequency in large population cohorts (gnomAD); In silico analysis supports that this missense variant does not alter protein structure/function; Has not been previously published as pathogenic or benign to our knowledge